The following is an entry in ClinVar:

NM_033159.4(HYAL1):c.322C>T (p.Arg108Cys)

Gene: HYAL1 (hyaluronidase 1; minus strand). Cytogenetic location: 3p21.31.
Variant type: single nucleotide variant.
Coding change: c.322C>T on transcript NM_033159.4 (MANE Select); coding-DNA position 322, C replaced by T.
Protein change: p.Arg108Cys; replaces arginine 108 with cysteine.
Molecular consequence: missense variant. On other transcripts: non-coding transcript variant (1), intron variant (2).
Genome position (GRCh38, 1-based): chr3:50,302,635, G>A on the plus strand (C>T on the coding strand, the complement: HYAL1 is on the minus strand). VCF-style: chr3-50302635-G-A. GRCh37 (hg19) VCF-style: chr3-50340066-G-A.
Other names: c.322C>T, p.Arg108Cys (NM_007312.3, NM_153281.2, NM_153282.3); c.-26-430C>T (NM_153285.3); c.-213-12C>T (NM_153283.3); c.322C>T (NM_153281.1); short protein forms R108C.
Identifiers: ClinVar variation 2050569 (VCV002050569.2), dbSNP rs587769317, ClinGen allele CA2415972.

ClinVar aggregate classification (germline): Uncertain significance. Review status: criteria provided, multiple submitters, no conflicts (2 of 4 stars). 2 submissions from 2 submitters: Uncertain significance (2). Last evaluated 2025-07-31.

Conditions:
Deficiency of hyaluronoglucosaminidase (MPS9). Also called: MPS IX; Mucopolysaccharidosis type 9; HYALURONIDASE DEFICIENCY. Identifiers: Orphanet 67041, MedGen C1291490, MONDO:0011093, OMIM 601492.

Allele frequency attached by ClinVar (database versions not stated): ExAC 0.00005; 1000 Genomes Project 30x 0.00031; gnomAD 0.00036; 1000 Genomes Project 0.00040; TOPMed 0.00100.
gnomAD v4.1: 142 of 1,614,184 alleles (0.0088%); highest among the groups gnomAD compares: Admixed American, 0.14%; 2 homozygotes.

Submissions (2):

Ambry Genetics
Classification: Uncertain significance. Last evaluated: 2025-07-31. Review status: criteria provided, single submitter. Criteria: Ambry Variant Classification Scheme 2023. Collection method: clinical testing. Allele origin: germline.

Labcorp Genetics (formerly Invitae), Labcorp
Classification: Uncertain significance for Deficiency of hyaluronoglucosaminidase. Last evaluated: 2022-10-13. Review status: criteria provided, single submitter. Criteria: Invitae Variant Classification Sherloc (09022015). Collection method: clinical testing. Allele origin: germline.
Comment: This sequence change replaces arginine, which is basic and polar, with cysteine, which is neutral and slightly polar, at codon 108 of the HYAL1 protein (p.Arg108Cys). This variant is present in population databases (rs587769317, gnomAD 0.03%). This variant has not been reported in the literature in individuals affected with HYAL1-related conditions. Algorithms developed to predict the effect of missense changes on protein structure and function output the following: SIFT: "Deleterious"; PolyPhen-2: "Benign"; Align-GVGD: "Class C15". The cysteine amino acid residue is found in multiple mammalian species, which suggests that this missense change does not adversely affect protein function. In summary, the available evidence is currently insufficient to determine the role of this variant in disease. Therefore, it has been classified as a Variant of Uncertain Significance.